The following is an entry in ClinVar:

ClinVar aggregate classification (germline): Uncertain significance. Review status: criteria provided, multiple submitters, no conflicts (2 of 4 stars). 8 submissions from 8 submitters: Uncertain significance (6). 2 of the submissions do not count toward it. Last evaluated 2026-05-29.

Conditions:
CFTR-related disorder (CFTR-RD). Also called: CFTR-related disorders; CFTR-related condition. Identifiers: MedGen C5924204, MONDO:7770004.
Cystic fibrosis (CF). Also called: MUCOVISCIDOSIS. Identifiers: Orphanet 586, MedGen C0010674, MONDO:0009061, OMIM 219700. Disease mechanism: loss of function.

Allele frequency attached by ClinVar (database versions not stated): gnomAD exomes 0.00008 and 0.00017; TOPMed 0.00014; gnomAD 0.00001; ExAC 0.00015.
gnomAD v4.1: 47 of 1,613,980 alleles (0.0029%); highest among the groups gnomAD compares: Admixed American, 0.078%; no homozygotes.

Submissions (8):

Women's Health and Genetics/Laboratory Corporation of America, LabCorp
Classification: Uncertain significance. Last evaluated: 2026-05-29. Review status: criteria provided, single submitter. Criteria: LabCorp Variant Classification Summary - May 2015. Collection method: clinical testing. Allele origin: germline.
Comment: Variant summary: CFTR c.944T>C (p.Phe315Ser) results in a non-conservative amino acid change in the encoded protein sequence. Algorithms developed to predict the effect of missense changes on protein structure and function all suggest that this variant is likely to be disruptive. The variant allele was found at a frequency of 0.00017 in 251272 control chromosomes, predominantly at a frequency of 0.0012 within the Latino subpopulation in the gnomAD database. This frequency is not significantly higher than estimated for disease-causing variants in CFTR, allowing no conclusion about variant significance. This report does not provide unequivocal conclusions about association of the variant with Cystic Fibrosis. To our knowledge, no experimental evidence demonstrating an impact on protein function has been reported. The following publication have been ascertained in the context of this evaluation (PMID: 23810505). ClinVar contains an entry for this variant (Variation ID: 455784). Based on the evidence outlined above, the variant was classified as uncertain significance.

Ambry Genetics
Classification: Uncertain significance for Cystic fibrosis. Last evaluated: 2024-10-15. Review status: criteria provided, single submitter. Criteria: Ambry Variant Classification Scheme 2023. Collection method: clinical testing. Allele origin: germline.
Comment: The p.F315S variant (also known as c.944T>C), located in coding exon 8 of the CFTR gene, results from a T to C substitution at nucleotide position 944. The phenylalanine at codon 315 is replaced by serine, an amino acid with highly dissimilar properties. This amino acid position is not well conserved in available vertebrate species. In addition, this alteration is predicted to be deleterious by in silico analysis. Based on the available evidence, the clinical significance of this variant remains unclear.

Labcorp Genetics (formerly Invitae), Labcorp
Classification: Uncertain significance for Cystic fibrosis. Last evaluated: 2022-08-06. Review status: criteria provided, single submitter. Criteria: Invitae Variant Classification Sherloc (09022015). Collection method: clinical testing. Allele origin: germline.
Comment: This sequence change replaces phenylalanine, which is neutral and non-polar, with serine, which is neutral and polar, at codon 315 of the CFTR protein (p.Phe315Ser). This variant is present in population databases (rs760319837, gnomAD 0.1%). This missense change has been observed in individual(s) with CFTR-related metabolic syndrome (PMID: 23810505). ClinVar contains an entry for this variant (Variation ID: 455784). Algorithms developed to predict the effect of missense changes on protein structure and function (SIFT, PolyPhen-2, Align-GVGD) all suggest that this variant is likely to be tolerated. In summary, the available evidence is currently insufficient to determine the role of this variant in disease. Therefore, it has been classified as a Variant of Uncertain Significance.

Genome-Nilou Lab
Classification: Uncertain significance for Cystic fibrosis. Last evaluated: 2021-09-05. Review status: criteria provided, single submitter. Criteria: ACMG Guidelines, 2015. Collection method: clinical testing. Allele origin: germline. Affected: no.

ARUP Laboratories, Molecular Genetics and Genomics, ARUP Laboratories
Classification: Uncertain significance. Last evaluated: 2017-12-13. Review status: criteria provided, single submitter. Criteria: ARUP Molecular Germline Variant Investigation Process. Collection method: clinical testing. Allele origin: germline.
Comment: The CFTR c.944T>C; p.Phe315Ser variant is reported in the medical literature in one individual with CFTR-related metabolic disorder (Prach 2013). The variant is listed in the dbSNP variant database (rs760319837) and in the Genome Aggregation Database in 45/277018 alleles, but is not listed in the ClinVar database. The phenylalanine at this position is conserved across species and computational algorithms (PolyPhen2, SIFT) predict this variant is deleterious. Considering available information, there is insufficient evidence to classify this variant with certainty. References: Prach L et al. Novel CFTR variants identified during the first 3 years of cystic fibrosis newborn screening in California. J Mol Diagn. 2013 Sep;15(5):710-22.

Eurofins Ntd Llc (ga)
Classification: Uncertain significance. Last evaluated: 2017-09-15. Review status: criteria provided, single submitter. Criteria: EGL Classification Definitions 2015. Collection method: clinical testing. Allele origin: germline. Observed: 1 variant allele, 1 heterozygote.

PreventionGenetics, part of Exact Sciences
Classification: Uncertain significance for CFTR-related condition. Last evaluated: 2024-09-12. Review status: no assertion criteria provided. Collection method: clinical testing. Allele origin: germline. Not counted in ClinVar's aggregate classification.
Comment: The CFTR c.944T>C variant is predicted to result in the amino acid substitution p.Phe315Ser. This variant has been reported, without a second CFTR variant, in an individual with CFTR-related metabolic syndrome (Prach et al. 2013. PubMed ID: 23810505). This variant is reported in 0.12% of alleles in individuals of Latino descent in gnomAD, which may be too common to be a primary cause of disease. Although we suspect that this variant may be benign, at this time, the clinical significance of this variant is uncertain due to the absence of conclusive functional and genetic evidence.

Natera, Inc.
Classification: Uncertain significance for CFTR-related disorders. Last evaluated: 2018-06-01. Review status: no assertion criteria provided. Collection method: clinical testing. Allele origin: germline. Not counted in ClinVar's aggregate classification.

Literature cited by the submitters: PubMed 23810505 (cited by 3 submitters).

NM_000492.4(CFTR):c.944T>C (p.Phe315Ser)

Gene: CFTR (CF transmembrane conductance regulator; plus strand). Cytogenetic location: 7q31.2.
Variant type: single nucleotide variant.
Coding change: c.944T>C on transcript NM_000492.4 (MANE Select); coding-DNA position 944, T replaced by C.
Protein change: p.Phe315Ser; replaces phenylalanine 315 with serine.
Molecular consequence: missense variant.
Genome position (GRCh38, 1-based): chr7:117,540,174, T>C. VCF-style: chr7-117540174-T-C. GRCh37 (hg19) VCF-style: chr7-117180228-T-C.
Other names: short protein forms F315S.
Identifiers: ClinVar variation 455784 (VCV000455784.25), dbSNP rs760319837, ClinGen allele CA4450868.